The following is an entry in ClinVar:

ClinVar aggregate classification (germline): Uncertain significance (1 of 4 stars; one submission).

gnomAD v4.1: 3 of 1,614,096 alleles (0.00019%); highest among the groups gnomAD compares: Non-Finnish European, 0.00025%; no homozygotes.

Submission:

GeneDx
Classification: Uncertain significance. Last evaluated: 2025-04-29. Review status: criteria provided, single submitter. Criteria: GeneDx Variant Classification Process June 2021. Collection method: clinical testing. Allele origin: germline. Affected: yes.
Comment: Not observed at significant frequency in large population cohorts (gnomAD); In silico analysis supports that this missense variant has a deleterious effect on protein structure/function; Has not been previously published as pathogenic or benign to our knowledge

NM_005898.5(CAPRIN1):c.1795C>T (p.Arg599Cys)

Gene: CAPRIN1 (cell cycle associated protein 1; plus strand). Cytogenetic location: 11p13.
Variant type: single nucleotide variant.
Coding change: c.1795C>T on transcript NM_005898.5 (MANE Select); coding-DNA position 1795, C replaced by T.
Protein change: p.Arg599Cys; replaces arginine 599 with cysteine.
Molecular consequence: missense variant.
Genome position (GRCh38, 1-based): chr11:34,096,568, C>T. VCF-style: chr11-34096568-C-T. GRCh37 (hg19) VCF-style: chr11-34118115-C-T.
Other names: c.1795C>T, p.Arg599Cys (NM_203364.3); short protein forms R599C.
Identifiers: ClinVar variation 3893346 (VCV003893346.1).